The following is an entry in ClinVar:

ClinVar aggregate classification (germline): Uncertain significance. Review status: criteria provided, multiple submitters, no conflicts (2 of 4 stars). 2 submissions from 2 submitters: Uncertain significance (2). Last evaluated 2024-11-23.

Conditions:
Fanconi anemia (FA). Also called: Fanconi's anemia. Identifiers: Orphanet 84, MedGen C0015625, MeSH D005199, MONDO:0019391.

Allele frequency attached by ClinVar (database versions not stated): gnomAD exomes below 0.00001 and 0.00001.
gnomAD v4.1: 2 of 1,610,480 alleles (0.00012%); highest among the groups gnomAD compares: Admixed American, 0.0034%; no homozygotes.

Submissions (2):

GeneDx
Classification: Uncertain significance. Last evaluated: 2024-11-23. Review status: criteria provided, single submitter. Criteria: GeneDx Variant Classification Process June 2021. Collection method: clinical testing. Allele origin: germline. Affected: yes.
Comment: Identified with a second variant in a patient with VECTERL and features of fanconi anemia in the published literature (PMID: 26590883); In silico analysis supports that this missense variant has a deleterious effect on protein structure/function; This variant is associated with the following publications: (PMID: 35417938, 26590883)

Labcorp Genetics (formerly Invitae), Labcorp
Classification: Uncertain significance for Fanconi anemia. Last evaluated: 2021-11-14. Review status: criteria provided, single submitter. Criteria: Invitae Variant Classification Sherloc (09022015). Collection method: clinical testing. Allele origin: germline.
Comment: In summary, the available evidence is currently insufficient to determine the role of this variant in disease. Therefore, it has been classified as a Variant of Uncertain Significance. Algorithms developed to predict the effect of missense changes on protein structure and function (SIFT, PolyPhen-2, Align-GVGD) all suggest that this variant is likely to be disruptive. This missense change has been observed in individual(s) with Fanconi anemia (PMID: 26590883). In at least one individual the data is consistent with the variant being in trans (on the opposite chromosome) from a pathogenic variant. This variant is present in population databases (no rsID available, gnomAD 0.006%). This sequence change replaces serine, which is neutral and polar, with proline, which is neutral and non-polar, at codon 347 of the FANCI protein (p.Ser347Pro).

Literature cited by the submitters: PubMed 26590883 (cited by Labcorp Genetics (formerly Invitae), Labcorp).

NM_001113378.2(FANCI):c.1039T>C (p.Ser347Pro)

Gene: FANCI (FA complementation group I; plus strand). Cytogenetic location: 15q26.1.
Variant type: single nucleotide variant.
Coding change: c.1039T>C on transcript NM_001113378.2 (MANE Select); coding-DNA position 1039, T replaced by C.
Protein change: p.Ser347Pro; replaces serine 347 with proline.
Molecular consequence: missense variant.
Genome position (GRCh38, 1-based): chr15:89,274,231, T>C. VCF-style: chr15-89274231-T-C. GRCh37 (hg19) VCF-style: chr15-89817462-T-C.
Other names: c.1039T>C (NM_001113378.1); c.760T>C, p.Ser254Pro (NM_001376910.1); c.1039T>C, p.Ser347Pro (NM_001376911.1, NM_018193.3); short protein forms S254P, S347P.
Identifiers: ClinVar variation 1524566 (VCV001524566.7), dbSNP rs1289791231, ClinGen allele CA393741633.